The following is an entry in ClinVar:

ClinVar aggregate classification (germline): Pathogenic (1 of 4 stars; one submission).

Conditions:
Retinoblastoma (RB1). Also called: RETINOBLASTOMA, SOMATIC. Identifiers: Orphanet 790, MedGen C0035335, MeSH D012175, MONDO:0008380, OMIM 180200, HP:0009919. Disease mechanism: loss of function. Inheritance: Both sporadic and heritable forms are tested..

Submission:

Labcorp Genetics (formerly Invitae), Labcorp
Classification: Pathogenic for Retinoblastoma. Last evaluated: 2018-03-12. Review status: criteria provided, single submitter. Criteria: Invitae Variant Classification Sherloc (09022015). Collection method: clinical testing. Allele origin: germline.
Comment: A gross deletion of the genomic region encompassing the full coding sequence of the RB1 gene has been identified. The boundaries of this event are unknown as the deletion extends beyond the assayed region for this gene and therefore may encompass additional genes. Numerous whole RB1 gene deletions have been reported in individuals affected with retinoblastoma (PMID: 21505449, 22909775). Loss-of-function variants in RB1 are known to be pathogenic (PMID: 17096365). For these reasons, this variant has been classified as Pathogenic.

Literature cited by the submitters: PubMed 21505449; PubMed 22909775.

NC_000013.11:g.(?_48303907)_(48480077_?)del

Genes: LPAR6 (lysophosphatidic acid receptor 6; minus strand), RB1 (RB transcriptional corepressor 1; plus strand), LOC130009754 (ATAC-STARR-seq lymphoblastoid active region 7726; plus strand), LOC130009755 (ATAC-STARR-seq lymphoblastoid active region 7727; plus strand). Cytogenetic location: 13q14.2.
Variant type: Deletion.
Identifiers: ClinVar variation 527953 (VCV000527953.1).